The following is an entry in ClinVar:

NM_002860.4(ALDH18A1):c.754C>G (p.Arg252Gly)

Gene: ALDH18A1 (aldehyde dehydrogenase 18 family member A1; minus strand). Cytogenetic location: 10q24.1.
Variant type: single nucleotide variant.
Coding change: c.754C>G on transcript NM_002860.4 (MANE Select); coding-DNA position 754, C replaced by G.
Protein change: p.Arg252Gly; replaces arginine 252 with glycine.
Molecular consequence: missense variant.
Genome position (GRCh38, 1-based): chr10:95,633,013, G>C on the plus strand (C>G on the coding strand, the complement: ALDH18A1 is on the minus strand). VCF-style: chr10-95633013-G-C. GRCh37 (hg19) VCF-style: chr10-97392770-G-C.
Other names: c.748C>G, p.Arg250Gly (NM_001017423.2, NM_001323415.2); c.421C>G, p.Arg141Gly (NM_001323412.2, NM_001323416.2); c.754C>G, p.Arg252Gly (NM_001323413.2, NM_001323414.2); c.649C>G, p.Arg217Gly (NM_001323417.2); c.415C>G, p.Arg139Gly (NM_001323418.2); c.118C>G, p.Arg40Gly (NM_001323419.2); short protein forms R141G, R252G, R40G, R139G, R217G, R250G.
Identifiers: ClinVar variation 2021483 (VCV002021483.4), dbSNP rs758543218, ClinGen allele CA377705027.
Genomic context (GRCh38, chr10:95,633,013, plus strand): 5'-TTGTACCTTCTACATCTGAAAGAACAATCAAGAGATCAGTTTTCATTTCCACAGCCAGTC[G>C]GGCAGCCAGGCTATCATTATCTTTAACACTAATAACCTAGAATGCAGATTAAAAAGTCAT-3'
Protein context (NP_002851.2, residues 242-262): SVKDNDSLAA[Arg252Gly]LAVEMKTDLL

ClinVar aggregate classification (germline): Uncertain significance (1 of 4 stars; one submission).

Conditions:
Cutis laxa, autosomal dominant 3 (ADCL3). Identifiers: Orphanet 90348, MedGen C4225268, MONDO:0014706, OMIM 616603.
Autosomal dominant spastic paraplegia type 9. Identifiers: MedGen C1832669, MONDO:0015091.
de Barsy syndrome. Also called: Cutis laxa-corneal clouding-oligophrenia syndrome. Identifiers: Orphanet 2962, MedGen C0268354, MONDO:0017569.

gnomAD v4.1: 1 of 1,614,068 alleles (0.000062%); highest among the groups gnomAD compares: Non-Finnish European, 0.000085%; no homozygotes.

Submission:

Labcorp Genetics (formerly Invitae), Labcorp
Classification: Uncertain significance for Autosomal dominant spastic paraplegia type 9; de Barsy syndrome; Cutis laxa, autosomal dominant 3. Last evaluated: 2022-08-04. Review status: criteria provided, single submitter. Criteria: Invitae Variant Classification Sherloc (09022015). Collection method: clinical testing. Allele origin: germline.
Comment: This sequence change replaces arginine, which is basic and polar, with glycine, which is neutral and non-polar, at codon 252 of the ALDH18A1 protein (p.Arg252Gly). This variant is not present in population databases (gnomAD no frequency). This variant has not been reported in the literature in individuals affected with ALDH18A1-related conditions. Algorithms developed to predict the effect of missense changes on protein structure and function are either unavailable or do not agree on the potential impact of this missense change (SIFT: "Deleterious"; PolyPhen-2: "Probably Damaging"; Align-GVGD: "Class C0"). This variant disrupts the p.Arg252 amino acid residue in ALDH18A1. Other variant(s) that disrupt this residue have been determined to be pathogenic (PMID: 26026163, 26297558). This suggests that this residue is clinically significant, and that variants that disrupt this residue are likely to be disease-causing. In summary, the available evidence is currently insufficient to determine the role of this variant in disease. Therefore, it has been classified as a Variant of Uncertain Significance.

Literature cited by the submitters: PubMed 26026163; PubMed 26297558.